The following is an entry in ClinVar:

ClinVar aggregate classification (germline): Conflicting classifications of pathogenicity. Review status: criteria provided, conflicting classifications (1 of 4 stars). 5 submissions from 5 submitters: Uncertain significance (2); Benign (1); Likely benign (2). Last evaluated 2025-12-09.

Conditions:
Hereditary cancer-predisposing syndrome. Also called: Tumor predisposition; Neoplastic Syndromes, Hereditary; Hereditary Cancer Syndrome; Hereditary neoplastic syndrome. Identifiers: Orphanet 140162, MedGen C0027672, MeSH D009386, MONDO:0015356.
Multiple endocrine neoplasia, type 1 (MEN1). Also called: MEN I; WERMER SYNDROME; Endocrine adenomatosis multiple; MEN 1; MEA I. Identifiers: Orphanet 652, MedGen C0025267, MeSH D018761, MONDO:0007540, OMIM 131100.

Allele frequency attached by ClinVar (database versions not stated): ExAC 0.00001; gnomAD 0.00001; gnomAD exomes 0.00001; TOPMed 0.00001.

Submissions (5):

Labcorp Genetics (formerly Invitae), Labcorp
Classification: Benign for Multiple endocrine neoplasia, type 1. Last evaluated: 2025-12-09. Review status: criteria provided, single submitter. Criteria: Invitae Variant Classification Sherloc (09022015). Collection method: clinical testing. Allele origin: germline.

Blueprint Genetics
Classification: Likely benign. Last evaluated: 2024-11-18. Review status: criteria provided, single submitter. Criteria: ACMG Guidelines, 2015. Collection method: clinical testing. Allele origin: germline.

Baylor Genetics
Classification: Uncertain significance for Multiple Endocrine Neoplasia Type 1. Last evaluated: 2024-02-12. Review status: criteria provided, single submitter. Criteria: ACMG Guidelines, 2015. Collection method: clinical testing. Allele origin: unknown.

All of Us Research Program, National Institutes of Health
Classification: Uncertain significance for Multiple endocrine neoplasia, type 1. Last evaluated: 2023-12-18. Review status: criteria provided, single submitter. Criteria: ACMG Guidelines, 2015. Collection method: clinical testing. Allele origin: germline. Inheritance: Autosomal dominant inheritance. Observed: 1 variant allele, 1 heterozygote.
Comment: This missense variant replaces glycine with aspartic acid at codon 386 of the MEN1 protein. Computational prediction suggests that this variant may not impact protein structure and function (internally defined REVEL score threshold <= 0.5, PMID: 27666373). To our knowledge, functional studies have not been reported for this variant. This variant has not been reported in individuals affected with MEN1-related disorders in the literature. This variant has been identified in 3/251280 chromosomes in the general population by the Genome Aggregation Database (gnomAD). The available evidence is insufficient to determine the role of this variant in disease conclusively. Therefore, this variant is classified as a Variant of Uncertain Significance.

This study involves interpretation of variants in research participants for the purpose of population health screening. Participant phenotype was not available at the time of variant classification. Additional details can be found in publication PMID: 35346344, PMCID: PMC8962531

Ambry Genetics
Classification: Likely benign for Hereditary cancer-predisposing syndrome. Last evaluated: 2022-03-01. Review status: criteria provided, single submitter. Criteria: Ambry Variant Classification Scheme 2023. Collection method: clinical testing. Allele origin: germline.

NM_001370259.2(MEN1):c.1157G>A (p.Gly386Asp)

Gene: MEN1 (menin 1; minus strand). Cytogenetic location: 11q13.1.
Variant type: single nucleotide variant.
Coding change: c.1157G>A on transcript NM_001370259.2 (MANE Select); coding-DNA position 1157, G replaced by A.
Protein change: p.Gly386Asp; replaces glycine 386 with aspartic acid.
Molecular consequence: missense variant.
Genome position (GRCh38, 1-based): chr11:64,805,663, C>T on the plus strand (G>A on the coding strand, the complement: MEN1 is on the minus strand). VCF-style: chr11-64805663-C-T. GRCh37 (hg19) VCF-style: chr11-64573135-C-T.
Other names: c.1172G>A, p.Gly391Asp (NM_000244.4, NM_130800.3, NM_130801.3 and 3 more transcripts); c.1283G>A, p.Gly428Asp (NM_001370251.2); c.1157G>A, p.Gly386Asp (NM_001370260.2, NM_001370261.2, NM_130799.3); c.1052G>A, p.Gly351Asp (NM_001370262.2, NM_001370263.2); short protein forms G391D, G386D, G428D, G351D.
Identifiers: ClinVar variation 220084 (VCV000220084.17), dbSNP rs761360623, ClinGen allele CA060027.
Genomic context (GRCh38, chr11:64,805,663, plus strand): 5'-GCTGGACACAGGCTGGAGCTCCAGCCTTTCACCTGGCTTTGCTCCCCCGGCCGCTCCTCG[C>T]CCGCCTCCAGCAAGCTGGCTGCCTCCTTCAGCAGGTTGGGGATGACATCATTGGCTACTT-3'
Protein context (NP_001357188.2, residues 376-396): LKEAASLLEA[Gly386Asp]EERPGEQSQG